The following is an entry in ClinVar:

NM_001572.5(IRF7):c.344C>T (p.Pro115Leu)

Gene: IRF7 (interferon regulatory factor 7; minus strand). Cytogenetic location: 11p15.5.
Variant type: single nucleotide variant.
Coding change: c.344C>T on transcript NM_001572.5 (MANE Select); coding-DNA position 344, C replaced by T.
Protein change: p.Pro115Leu; replaces proline 115 with leucine.
Molecular consequence: missense variant.
Genome position (GRCh38, 1-based): chr11:614,847, G>A on the plus strand (C>T on the coding strand, the complement: IRF7 is on the minus strand). VCF-style: chr11-614847-G-A. GRCh37 (hg19) VCF-style: chr11-614847-G-A.
Other names: c.344C>T, p.Pro115Leu (NM_004029.4); c.383C>T, p.Pro128Leu (NM_004031.4); short protein forms P115L, P128L.
Identifiers: ClinVar variation 1412123 (VCV001412123.8), dbSNP rs747596779, ClinGen allele CA5783990.

ClinVar aggregate classification (germline): Uncertain significance (1 of 4 stars; one submission).

Conditions:
Immunodeficiency 39 (IMD39). Identifiers: Orphanet 574918, MedGen C4225358, MONDO:0014597, OMIM 616345.

Allele frequency attached by ClinVar (database versions not stated): gnomAD 0.00001 and 0.00002; gnomAD exomes 0.00003; TOPMed 0.00003; ExAC 0.00027; 1000 Genomes Project 30x 0.00031.
gnomAD v4.1: 51 of 1,564,954 alleles (0.0033%); highest among the groups gnomAD compares: Non-Finnish European, 0.0043%; no homozygotes.

Submission:

Labcorp Genetics (formerly Invitae), Labcorp
Classification: Uncertain significance for Immunodeficiency 39. Last evaluated: 2026-01-12. Review status: criteria provided, single submitter. Criteria: Invitae Variant Classification Sherloc (09022015). Collection method: clinical testing. Allele origin: germline.
Comment: This sequence change replaces proline, which is neutral and non-polar, with leucine, which is neutral and non-polar, at codon 128 of the IRF7 protein (p.Pro128Leu). This variant is present in population databases (rs747596779, gnomAD 0.008%). This missense change has been observed in individual(s) with severe influenza (PMID: 31172279). This variant is also known as c.334C>T (p.P115L). ClinVar contains an entry for this variant (Variation ID: 1412123). Invitae Evidence Modeling of protein sequence and biophysical properties (such as structural, functional, and spatial information, amino acid conservation, physicochemical variation, residue mobility, and thermodynamic stability) indicates that this missense variant is not expected to disrupt IRF7 protein function with a negative predictive value of 80%. In summary, the available evidence is currently insufficient to determine the role of this variant in disease. Therefore, it has been classified as a Variant of Uncertain Significance.

Literature cited by the submitters: PubMed 31172279.